The following is an entry in ClinVar:

NM_001042492.3(NF1):c.7076T>C (p.Val2359Ala)

Gene: NF1 (neurofibromin 1; plus strand). Cytogenetic location: 17q11.2.
Variant type: single nucleotide variant.
Coding change: c.7076T>C on transcript NM_001042492.3 (MANE Select); coding-DNA position 7076, T replaced by C.
Protein change: p.Val2359Ala; replaces valine 2359 with alanine.
Molecular consequence: missense variant.
Genome position (GRCh38, 1-based): chr17:31,343,022, T>C. VCF-style: chr17-31343022-T-C. GRCh37 (hg19) VCF-style: chr17-29670040-T-C.
Other names: c.7013T>C, p.Val2338Ala (NM_000267.4); short protein forms V2338A, V2359A.
Identifiers: ClinVar variation 4883392 (VCV004883392.2).
Genomic context (GRCh38, chr17:31,343,022, plus strand): 5'-AGCTACTGTGTGAACCTCATCAACCATCTCATGATTATCTTTAATAGAGTCCAGAGGAAG[T>C]ATTTATGGCAATCCGGAATCCTCTGGAGTGGCACTGCAAGCAAATGGATCATTTTGTTGG-3'
Protein context (NP_001035957.1, residues 2349-2369): RIFNDKSPEE[Val2359Ala]FMAIRNPLEW

ClinVar aggregate classification (germline): Uncertain significance (1 of 4 stars; one submission).

Submission:

Dasa
Classification: Uncertain significance. Last evaluated: 2026-03-30. Review status: criteria provided, single submitter. Criteria: DASA Assertion Criteria. Collection method: clinical testing. Allele origin: germline.
Comment: NM_001042492.3(NF1):c.7076T>C (p.Val2359Ala) is a missense variant that results in the substitution of valine with alanine. This variant is rare in population databases. The currently available literature and clinical evidence are not sufficient to establish a definitive association between this variant and the reported condition. Therefore, this variant is classified as a variant of uncertain significance.